The following is an entry in ClinVar:

NM_001308093.3(GATA4):c.272A>C (p.Gln91Pro)

Gene: GATA4 (GATA binding protein 4). Cytogenetic location: 8p23.1.
Variant type: single nucleotide variant.
Coding change: c.272A>C on transcript NM_001308093.3 (MANE Select); coding-DNA position 272, A replaced by C.
Protein change: p.Gln91Pro; replaces glutamine 91 with proline.
Molecular consequence: missense variant. On other transcripts: intron variant (3).
Genome position (GRCh38, 1-based): chr8:11,708,584, A>C. VCF-style: chr8-11708584-A-C. GRCh37 (hg19) VCF-style: chr8-11566093-A-C.
Other names: c.272A>C, p.Gln91Pro (NM_002052.5); c.-6+7806A>C (NM_001308094.2); c.-3+570A>C (NM_001374274.1); c.-3+4280A>C (NM_001374273.1); short protein forms Q91P.
Identifiers: ClinVar variation 4028530 (VCV004028530.1).

ClinVar aggregate classification (germline): Uncertain significance (1 of 4 stars; one submission).

Conditions:
Cardiovascular phenotype. Identifiers: MedGen CN230736.

Submission:

Ambry Genetics
Classification: Uncertain significance for Cardiovascular phenotype. Last evaluated: 2025-03-25. Review status: criteria provided, single submitter. Criteria: Ambry Variant Classification Scheme 2023. Collection method: clinical testing. Allele origin: germline.
Comment: The p.Q91P variant (also known as c.272A>C), located in coding exon 1 of the GATA4 gene, results from an A to C substitution at nucleotide position 272. The glutamine at codon 91 is replaced by proline, an amino acid with similar properties. This amino acid position is conserved. In addition, the in silico prediction for this alteration is inconclusive. Based on the available evidence, the clinical significance of this variant remains unclear.